The following is an entry in ClinVar:

NM_014043.4(CHMP2B):c.187A>G (p.Lys63Glu)

Gene: CHMP2B (charged multivesicular body protein 2B; plus strand). Cytogenetic location: 3p11.2.
Variant type: single nucleotide variant.
Coding change: c.187A>G on transcript NM_014043.4 (MANE Select); coding-DNA position 187, A replaced by G.
Protein change: p.Lys63Glu; replaces lysine 63 with glutamic acid.
Molecular consequence: missense variant.
Genome position (GRCh38, 1-based): chr3:87,245,774, A>G. VCF-style: chr3-87245774-A-G. GRCh37 (hg19) VCF-style: chr3-87294924-A-G.
Other names: c.64A>G, p.Lys22Glu (NM_001244644.2); short protein forms K22E, K63E.
Identifiers: ClinVar variation 1307577 (VCV001307577.31), dbSNP rs745754634, ClinGen allele CA2500928.
Genomic context (GRCh38, chr3:87,245,774, plus strand): 5'-GAATTAGAAATTAAGAAAATGGCCAAGATTGGTAATAAGGAAGCTTGCAAAGTTTTAGCC[A>G]AACAACTTGTGCATCTACGGAAACAGAAGACGAGAACTTTTGCTGTAAGTTCAAAAGTTA-3'
Protein context (NP_054762.2, residues 53-73): GNKEACKVLA[Lys63Glu]QLVHLRKQKT

ClinVar aggregate classification (germline): Uncertain significance. Review status: criteria provided, multiple submitters, no conflicts (2 of 4 stars). 5 submissions from 5 submitters: Uncertain significance (4). 1 of the submissions does not count toward it. Last evaluated 2023-11-01.

Conditions:
CHMP2B-related disorder. Also called: CHMP2B-related condition.
Frontotemporal dementia and/or amyotrophic lateral sclerosis 7 (FTDALS7). Also called: Amyotrophic lateral sclerosis 17; CHMP2B-Related Frontotemporal Dementia-Amyotrophic Lateral Sclerosis; CHMP2B-related frontotemporal dementia; AMYOTROPHIC LATERAL SCLEROSIS, CHMP2B-RELATED. Identifiers: Orphanet 275864, Orphanet 282, Orphanet 803, MedGen C1833296, MONDO:0010936, OMIM 600795.

Allele frequency attached by ClinVar (database versions not stated): gnomAD 0.00001; TOPMed 0.00002; gnomAD exomes 0.00004.

Submissions (5):

CeGaT Center for Human Genetics Tuebingen
Classification: Uncertain significance. Last evaluated: 2023-11-01. Review status: criteria provided, single submitter. Criteria: CeGaT Center For Human Genetics Tuebingen Variant Classification Criteria Version 2. Collection method: clinical testing. Allele origin: germline. Affected: yes. Observed: 1 variant allele.

Kariminejad - Najmabadi Pathology & Genetics Center
Classification: Uncertain significance for Frontotemporal dementia and/or amyotrophic lateral sclerosis 7. Last evaluated: 2023-10-16. Review status: criteria provided, single submitter. Criteria: ACMG Guidelines, 2015. Collection method: clinical testing. Allele origin: germline. Inheritance: Autosomal dominant inheritance. Affected: yes.
Comment: BS2_Supporting,PP3_Moderate

Labcorp Genetics (formerly Invitae), Labcorp
Classification: Uncertain significance for Frontotemporal dementia and/or amyotrophic lateral sclerosis 7. Last evaluated: 2023-05-18. Review status: criteria provided, single submitter. Criteria: Invitae Variant Classification Sherloc (09022015). Collection method: clinical testing. Allele origin: germline.
Comment: An algorithm developed to predict the effect of missense changes on protein structure and function (PolyPhen-2) suggests that this variant is likely to be disruptive. In summary, the available evidence is currently insufficient to determine the role of this variant in disease. Therefore, it has been classified as a Variant of Uncertain Significance. ClinVar contains an entry for this variant (Variation ID: 1307577). This sequence change replaces lysine, which is basic and polar, with glutamic acid, which is acidic and polar, at codon 63 of the CHMP2B protein (p.Lys63Glu). This variant is present in population databases (rs745754634, gnomAD 0.006%). This variant has not been reported in the literature in individuals affected with CHMP2B-related conditions.

GeneDx
Classification: Uncertain significance. Last evaluated: 2019-08-05. Review status: criteria provided, single submitter. Criteria: GeneDx Variant Classification Process June 2021. Collection method: clinical testing. Allele origin: germline. Affected: yes.
Comment: In silico analysis, which includes protein predictors and evolutionary conservation, supports a deleterious effect; Has not been previously published as pathogenic or benign to our knowledge

PreventionGenetics, part of Exact Sciences
Classification: Uncertain significance for CHMP2B-related condition. Last evaluated: 2024-03-22. Review status: no assertion criteria provided. Collection method: clinical testing. Allele origin: germline. Not counted in ClinVar's aggregate classification.
Comment: The CHMP2B c.187A>G variant is predicted to result in the amino acid substitution p.Lys63Glu. To our knowledge, this variant has not been reported in the literature. This variant is reported in 0.0062% of alleles in individuals of European (Non-Finnish) descent in gnomAD. At this time, the clinical significance of this variant is uncertain due to the absence of conclusive functional and genetic evidence.